The following is an entry in ClinVar:

ClinVar aggregate classification (germline): Uncertain significance. Review status: criteria provided, multiple submitters, no conflicts (2 of 4 stars). 2 submissions from 2 submitters: Uncertain significance (2). Last evaluated 2024-07-29.

Conditions:
Glycogen storage disease IXc (GSD9C). Also called: GSD IXc. Identifiers: Orphanet 264580, MedGen C2751643, MONDO:0013091, OMIM 613027.

Allele frequency attached by ClinVar (database versions not stated): gnomAD below 0.00001 and 0.00003; gnomAD exomes 0.00005 and 0.00010; ExAC 0.00007.
gnomAD v4.1: 74 of 1,608,196 alleles (0.0046%); highest among the groups gnomAD compares: South Asian, 0.071%; no homozygotes.

Submissions (2):

Women's Health and Genetics/Laboratory Corporation of America, LabCorp
Classification: Uncertain significance. Last evaluated: 2024-07-29. Review status: criteria provided, single submitter. Criteria: LabCorp Variant Classification Summary - May 2015. Collection method: clinical testing. Allele origin: germline.

Labcorp Genetics (formerly Invitae), Labcorp
Classification: Uncertain significance for Glycogen storage disease IXc. Last evaluated: 2019-06-04. Review status: criteria provided, single submitter. Criteria: Invitae Variant Classification Sherloc (09022015). Collection method: clinical testing. Allele origin: germline.
Comment: This sequence change falls in intron 3 of the PHKG2 gene. It does not directly change the encoded amino acid sequence of the PHKG2 protein, but it affects a nucleotide within the consensus splice site of the intron. This variant is present in population databases (rs767677860, ExAC 0.05%). This variant has not been reported in the literature in individuals with PHKG2-related disease. Nucleotide substitutions within the consensus splice site are a relatively common cause of aberrant splicing (PMID: 17576681, 9536098). Algorithms developed to predict the effect of sequence changes on RNA splicing suggest that this variant is not likely to affect RNA splicing, but this prediction has not been confirmed by published transcriptional studies. In summary, the available evidence is currently insufficient to determine the role of this variant in disease. Therefore, it has been classified as a Variant of Uncertain Significance.

Literature cited by the submitters: PubMed 17576681 (cited by Labcorp Genetics (formerly Invitae), Labcorp); PubMed 9536098 (cited by Labcorp Genetics (formerly Invitae), Labcorp).

NM_000294.3(PHKG2):c.271+6G>A

Gene: PHKG2 (phosphorylase kinase catalytic subunit gamma 2; plus strand). Cytogenetic location: 16p11.2.
Variant type: single nucleotide variant.
Coding change: c.271+6G>A on transcript NM_000294.3 (MANE Select); 6 bases into the intron after coding-DNA position 271, G replaced by A.
Molecular consequence: intron variant.
Genome position (GRCh38, 1-based): chr16:30,751,287, G>A. VCF-style: chr16-30751287-G-A. GRCh37 (hg19) VCF-style: chr16-30762608-G-A.
Other names: c.271+6G>A (NM_001172432.2).
Identifiers: ClinVar variation 939224 (VCV000939224.5), dbSNP rs767677860, ClinGen allele CA8013070.
Genomic context (GRCh38, chr16:30,751,287, plus strand): 5'-GCCACACGGCGAGAGACACACATCCTTCGCCAGGTCGCCGGCCACCCCCACATCAGTGAG[G>A]CTGTCTTCCTTGCTCCTGTTAGCAGACGACCCCCCACCTCCTGCTGGCCCTGCCCATAGC-3'